The following is an entry in ClinVar:

ClinVar aggregate classification (germline): Uncertain significance (1 of 4 stars; one submission).

Conditions:
Familial adenomatous polyposis 1 (FAP1). Also called: FAMILIAL ADENOMATOUS POLYPOSIS 1, ATTENUATED; POLYPOSIS, ADENOMATOUS INTESTINAL. Identifiers: MedGen C2713442, MONDO:0021056, OMIM 175100. Disease mechanism: loss of function.

Allele frequency attached by ClinVar (database versions not stated): gnomAD exomes below 0.00001; TOPMed below 0.00001; gnomAD 0.00001.
gnomAD v4.1: 3 of 1,614,082 alleles (0.00019%); highest among the groups gnomAD compares: Non-Finnish European, 0.00017%; no homozygotes.

Submission:

Labcorp Genetics (formerly Invitae), Labcorp
Classification: Uncertain significance for Familial adenomatous polyposis 1. Last evaluated: 2022-09-21. Review status: criteria provided, single submitter. Criteria: Invitae Variant Classification Sherloc (09022015). Collection method: clinical testing. Allele origin: germline.
Comment: In summary, the available evidence is currently insufficient to determine the role of this variant in disease. Therefore, it has been classified as a Variant of Uncertain Significance. This variant has not been reported in the literature in individuals affected with APC-related conditions. Advanced modeling of protein sequence and biophysical properties (such as structural, functional, and spatial information, amino acid conservation, physicochemical variation, residue mobility, and thermodynamic stability) performed at Invitae indicates that this missense variant is not expected to disrupt APC protein function. This sequence change replaces valine, which is neutral and non-polar, with isoleucine, which is neutral and non-polar, at codon 967 of the APC protein (p.Val967Ile). This variant is present in population databases (rs765925481, gnomAD 0.0009%).

NM_000038.6(APC):c.2899G>A (p.Val967Ile)

Gene: APC (APC regulator of Wnt signaling pathway; plus strand). Cytogenetic location: 5q22.2.
Variant type: single nucleotide variant.
Coding change: c.2899G>A on transcript NM_000038.6 (MANE Select); coding-DNA position 2899, G replaced by A.
Protein change: p.Val967Ile; replaces valine 967 with isoleucine.
Molecular consequence: missense variant.
Genome position (GRCh38, 1-based): chr5:112,838,493, G>A. VCF-style: chr5-112838493-G-A. GRCh37 (hg19) VCF-style: chr5-112174190-G-A.
Other names: c.2899G>A, p.Val967Ile (NM_001127510.3, NM_001354895.2, NM_001407450.1); c.2845G>A, p.Val949Ile (NM_001127511.3); c.2953G>A, p.Val985Ile (NM_001354896.2, NM_001407447.1, NM_001407448.1 and 1 more transcripts); c.2929G>A, p.Val977Ile (NM_001354897.2); c.2824G>A, p.Val942Ile (NM_001354898.2); c.2815G>A, p.Val939Ile (NM_001354899.2); c.2776G>A, p.Val926Ile (NM_001354900.2); c.2722G>A, p.Val908Ile (NM_001354901.2, NM_001407453.1); and 11 more; short protein forms V583I, V684I, V807I, V838I, V841I, V866I, V876I, V884I.
Identifiers: ClinVar variation 1719949 (VCV001719949.6), dbSNP rs765925481, ClinGen allele CA16027661.